The following is an entry in ClinVar:

ClinVar aggregate classification (germline): Uncertain significance (1 of 4 stars; one submission).

Conditions:
Retinoblastoma (RB1). Also called: RETINOBLASTOMA, SOMATIC. Identifiers: Orphanet 790, MedGen C0035335, MeSH D012175, MONDO:0008380, OMIM 180200, HP:0009919. Disease mechanism: loss of function. Inheritance: Both sporadic and heritable forms are tested..

Submission:

Labcorp Genetics (formerly Invitae), Labcorp
Classification: Uncertain significance for Retinoblastoma. Last evaluated: 2024-04-22. Review status: criteria provided, single submitter. Criteria: Invitae Variant Classification Sherloc (09022015). Collection method: clinical testing. Allele origin: germline.
Comment: This sequence change replaces glutamine, which is neutral and polar, with glutamic acid, which is acidic and polar, at codon 436 of the RB1 protein (p.Gln436Glu). This variant is not present in population databases (gnomAD no frequency). This variant has not been reported in the literature in individuals affected with RB1-related conditions. Advanced modeling of protein sequence and biophysical properties (such as structural, functional, and spatial information, amino acid conservation, physicochemical variation, residue mobility, and thermodynamic stability) performed at Invitae indicates that this missense variant is not expected to disrupt RB1 protein function with a negative predictive value of 80%. In summary, the available evidence is currently insufficient to determine the role of this variant in disease. Therefore, it has been classified as a Variant of Uncertain Significance.

NM_000321.3(RB1):c.1306C>G (p.Gln436Glu)

Gene: RB1 (RB transcriptional corepressor 1; plus strand). Cytogenetic location: 13q14.2.
Variant type: single nucleotide variant.
Coding change: c.1306C>G on transcript NM_000321.3 (MANE Select); coding-DNA position 1306, C replaced by G.
Protein change: p.Gln436Glu; replaces glutamine 436 with glutamic acid.
Molecular consequence: missense variant.
Genome position (GRCh38, 1-based): chr13:48,377,008, C>G. VCF-style: chr13-48377008-C-G. GRCh37 (hg19) VCF-style: chr13-48951144-C-G.
Other names: c.1306C>G, p.Gln436Glu (NM_001407165.1, NM_001407166.1); short protein forms Q436E.
Identifiers: ClinVar variation 3650530 (VCV003650530.2).